The following is an entry in ClinVar:

ClinVar aggregate classification (germline): Pathogenic (1 of 4 stars; one submission).

Conditions:
Neurofibromatosis, type 1 (NF1). Also called: VON RECKLINGHAUSEN DISEASE; Neurofibromatosis, type I; Peripheral type neurofibromatosis; NEUROFIBROMATOSIS, TYPE I, SOMATIC. Identifiers: Orphanet 636, MedGen C0027831, MONDO:0018975, OMIM 162200. Disease mechanism: loss of function.

Submission:

Labcorp Genetics (formerly Invitae), Labcorp
Classification: Pathogenic for Neurofibromatosis, type 1. Last evaluated: 2023-04-07. Review status: criteria provided, single submitter. Criteria: Invitae Variant Classification Sherloc (09022015). Collection method: clinical testing. Allele origin: germline.
Comment: For these reasons, this variant has been classified as Pathogenic. This variant has not been reported in the literature in individuals affected with NF1-related conditions. This variant is not present in population databases (gnomAD no frequency). This sequence change creates a premature translational stop signal (p.Ile1953Phefs*5) in the NF1 gene. It is expected to result in an absent or disrupted protein product. Loss-of-function variants in NF1 are known to be pathogenic (PMID: 10712197, 23913538).

Literature cited by the submitters: PubMed 10712197; PubMed 23913538.

NM_001042492.3(NF1):c.5919del (p.Ile1974fs)

Gene: NF1 (neurofibromin 1; plus strand). Cytogenetic location: 17q11.2.
Variant type: Deletion.
Coding change: c.5919del on transcript NM_001042492.3 (MANE Select); coding-DNA position 5919, one base deleted (T; older notation c.5919delT).
Protein change: p.Ile1974fs; shifts the reading frame from isoleucine 1974.
Molecular consequence: frameshift variant.
Genome position (GRCh38, 1-based): chr17:31,334,944, T deleted. VCF-style (leftmost placement, unchanged base first): chr17-31334943-CT-C. GRCh37 (hg19) VCF-style: chr17-29661961-CT-C.
Other names: c.5856delT, p.Ile1953Phefs (NM_000267.4); short protein forms I1974fs, I1953fs.
Identifiers: ClinVar variation 2853104 (VCV002853104.3), dbSNP rs2508736989, ClinGen allele CA2739267483.